The following is an entry in ClinVar:

NM_017617.5(NOTCH1):c.6257A>G (p.Asn2086Ser)

Gene: NOTCH1 (notch receptor 1; minus strand). Cytogenetic location: 9q34.3.
Variant type: single nucleotide variant.
Coding change: c.6257A>G on transcript NM_017617.5 (MANE Select); coding-DNA position 6257, A replaced by G.
Protein change: p.Asn2086Ser; replaces asparagine 2086 with serine.
Molecular consequence: missense variant.
Genome position (GRCh38, 1-based): chr9:136,497,482, T>C on the plus strand (A>G on the coding strand, the complement: NOTCH1 is on the minus strand). VCF-style: chr9-136497482-T-C. GRCh37 (hg19) VCF-style: chr9-139391934-T-C.
Other names: short protein forms N2086S.
Identifiers: ClinVar variation 1499601 (VCV001499601.8), dbSNP rs201058656, ClinGen allele CA5339959.
Genomic context (GRCh38, chr9:136,497,482, plus strand): 5'-TGCATGCGCTCCTGTGCGATGTCGCGCGGCAGGCGGTCCATATGATCCGTGATGTCCCGG[T>C]TGGCAAAGTGGTCCAGCAGCACCTTGGCGGTCTCGTAGCTGCCCTCCCGGGCGGCCAGAA-3'
Protein context (NP_060087.3, residues 2076-2096): TAKVLLDHFA[Asn2086Ser]RDITDHMDRL

ClinVar aggregate classification (germline): Conflicting classifications of pathogenicity. Review status: criteria provided, conflicting classifications (1 of 4 stars). 2 submissions from 2 submitters: Uncertain significance (1); Benign (1). Last evaluated 2025-03-24.

Conditions:
Adams-Oliver syndrome 5 (AOS5). Identifiers: Orphanet 974, MedGen C4014970, MONDO:0014459, OMIM 616028.

Allele frequency attached by ClinVar (database versions not stated): gnomAD exomes below 0.00001 and 0.00001; ExAC 0.00003; ESP Exome Variant Server 0.00008.
gnomAD v4.1: 5 of 1,612,262 alleles (0.00031%); highest among the groups gnomAD compares: Non-Finnish European, 0.00025%; no homozygotes.

Submissions (2):

Women's Health and Genetics/Laboratory Corporation of America, LabCorp
Classification: Uncertain significance. Last evaluated: 2025-03-24. Review status: criteria provided, single submitter. Criteria: LabCorp Variant Classification Summary - May 2015. Collection method: clinical testing. Allele origin: germline.
Comment: Variant summary: NOTCH1 c.6257A>G (p.Asn2086Ser) results in a conservative amino acid change located in the Ankyrin repeat region (IPR002110) of the encoded protein sequence. Three of five in-silico tools predict a benign effect of the variant on protein function. The variant allele was found at a frequency of 3.1e-06 in 1605292 control chromosomes (gnomAD v4.1). The available data on variant occurrences in the general population are insufficient to allow any conclusion about variant significance. To our knowledge, no occurrence of c.6257A>G in individuals affected with Adams-Oliver Syndrome 5 and no experimental evidence demonstrating its impact on protein function have been reported. ClinVar contains an entry for this variant (Variation ID: 1499601). Based on the evidence outlined above, the variant was classified as uncertain significance.

Labcorp Genetics (formerly Invitae), Labcorp
Classification: Benign for Adams-Oliver syndrome 5. Last evaluated: 2024-03-03. Review status: criteria provided, single submitter. Criteria: Invitae Variant Classification Sherloc (09022015). Collection method: clinical testing. Allele origin: germline.

Literature cited by the submitters: PubMed 24943832 (cited by Women's Health and Genetics/Laboratory Corporation of America, LabCorp); PubMed 16614245 (cited by Women's Health and Genetics/Laboratory Corporation of America, LabCorp); PubMed 21670202 (cited by Women's Health and Genetics/Laboratory Corporation of America, LabCorp); PubMed 22210878 (cited by Women's Health and Genetics/Laboratory Corporation of America, LabCorp); PubMed 19635999 (cited by Women's Health and Genetics/Laboratory Corporation of America, LabCorp); PubMed 26837699 (cited by Women's Health and Genetics/Laboratory Corporation of America, LabCorp); PubMed 23086750 (cited by Women's Health and Genetics/Laboratory Corporation of America, LabCorp); PubMed 19245433 (cited by Women's Health and Genetics/Laboratory Corporation of America, LabCorp); PubMed 22077063 (cited by Women's Health and Genetics/Laboratory Corporation of America, LabCorp); PubMed 15472075 (cited by Women's Health and Genetics/Laboratory Corporation of America, LabCorp); PubMed 23734977 (cited by Women's Health and Genetics/Laboratory Corporation of America, LabCorp); PubMed 22858860 (cited by Women's Health and Genetics/Laboratory Corporation of America, LabCorp).